The following is an entry in ClinVar:

ClinVar aggregate classification (germline): Uncertain significance (1 of 4 stars; one submission).

Conditions:
Hypertrophic cardiomyopathy. Also called: HYPERTROPHIC MYOCARDIOPATHY. Identifiers: Orphanet 217569, MedGen C0007194, MeSH D002312, MONDO:0005045, HP:0001639.

Submission:

Labcorp Genetics (formerly Invitae), Labcorp
Classification: Uncertain significance for Hypertrophic cardiomyopathy. Last evaluated: 2023-07-19. Review status: criteria provided, single submitter. Criteria: Invitae Variant Classification Sherloc (09022015). Collection method: clinical testing. Allele origin: germline.
Comment: This sequence change replaces leucine, which is neutral and non-polar, with isoleucine, which is neutral and non-polar, at codon 396 of the MYH7 protein (p.Leu396Ile). In summary, the available evidence is currently insufficient to determine the role of this variant in disease. Therefore, it has been classified as a Variant of Uncertain Significance. Advanced modeling of protein sequence and biophysical properties (such as structural, functional, and spatial information, amino acid conservation, physicochemical variation, residue mobility, and thermodynamic stability) has been performed at Invitae for this missense variant, however the output from this modeling did not meet the statistical confidence thresholds required to predict the impact of this variant on MYH7 protein function. This variant has not been reported in the literature in individuals affected with MYH7-related conditions. This variant is not present in population databases (gnomAD no frequency).

NM_000257.4(MYH7):c.1186C>A (p.Leu396Ile)

Gene: MYH7 (myosin heavy chain 7; minus strand). Cytogenetic location: 14q11.2.
Variant type: single nucleotide variant.
Coding change: c.1186C>A on transcript NM_000257.4 (MANE Select); coding-DNA position 1186, C replaced by A.
Protein change: p.Leu396Ile; replaces leucine 396 with isoleucine.
Molecular consequence: missense variant.
Genome position (GRCh38, 1-based): chr14:23,429,300, G>T on the plus strand (C>A on the coding strand, the complement: MYH7 is on the minus strand). VCF-style: chr14-23429300-G-T. GRCh37 (hg19) VCF-style: chr14-23898509-G-T.
Other names: c.1186C>A, p.Leu396Ile (NM_001407004.1); short protein forms L396I.
Identifiers: ClinVar variation 2744886 (VCV002744886.3), dbSNP rs2502303320, ClinGen allele CA389051165.